The following is an entry in ClinVar:

ClinVar aggregate classification (germline): Uncertain significance. Review status: criteria provided, multiple submitters, no conflicts (2 of 4 stars). 2 submissions from 2 submitters: Uncertain significance (2). Last evaluated 2026-02-17.

Conditions:
Hereditary cancer-predisposing syndrome. Also called: Tumor predisposition; Hereditary Cancer Syndrome; Hereditary neoplastic syndrome; Neoplastic Syndromes, Hereditary. Identifiers: Orphanet 140162, MedGen C0027672, MeSH D009386, MONDO:0015356.
POLD1-related polyposis and colorectal cancer syndrome (CRCS10). Also called: Colorectal cancer 10; COLORECTAL CANCER, SUSCEPTIBILITY TO, ON CHROMOSOME 19q; Colorectal cancer, susceptibility to, 10. Identifiers: Orphanet 220460, MedGen C2675481, MONDO:0012953, OMIM 612591.

Allele frequency attached by ClinVar (database versions not stated): gnomAD exomes below 0.00001.
gnomAD v4.1: 5 of 1,605,648 alleles (0.00031%); highest among the groups gnomAD compares: Non-Finnish European, 0.00043%; no homozygotes.

Submissions (2):

Ambry Genetics
Classification: Uncertain significance for Hereditary cancer-predisposing syndrome. Last evaluated: 2026-02-17. Review status: criteria provided, single submitter. Criteria: Ambry Variant Classification Scheme 2023. Collection method: clinical testing. Allele origin: germline.
Comment: The c.2250G>A variant (also known as p.K750K), located in coding exon 17 of the POLD1 gene, results from a G to A substitution at nucleotide position 2250. This nucleotide substitution does not change the lysine at codon 750. However, this change occurs in the last base pair of coding exon 17, which makes it likely to have some effect on normal mRNA splicing. This nucleotide position is highly conserved in available vertebrate species. In silico splice site analysis predicts that this alteration will weaken the native splice donor site and will result in the creation or strengthening of a novel splice donor site. Since supporting evidence is limited at this time, the clinical significance of this alteration remains unclear.

Labcorp Genetics (formerly Invitae), Labcorp
Classification: Uncertain significance for POLD1-related polyposis and colorectal cancer syndrome. Last evaluated: 2025-08-17. Review status: criteria provided, single submitter. Criteria: Invitae Variant Classification Sherloc (09022015). Collection method: clinical testing. Allele origin: germline.
Comment: This sequence change affects codon 750 of the POLD1 mRNA. It is a 'silent' change, meaning that it does not change the encoded amino acid sequence of the POLD1 protein. This variant also falls at the last nucleotide of exon 18, which is part of the consensus splice site for this exon. This variant is not present in population databases (gnomAD no frequency). This variant has not been reported in the literature in individuals affected with POLD1-related conditions. ClinVar contains an entry for this variant (Variation ID: 967553). Variants that disrupt the consensus splice site are a relatively common cause of aberrant splicing (PMID: 17576681, 9536098). Algorithms developed to predict the effect of sequence changes on RNA splicing suggest that this variant may disrupt the consensus splice site. In summary, the available evidence is currently insufficient to determine the role of this variant in disease. Therefore, it has been classified as a Variant of Uncertain Significance.

Literature cited by the submitters: PubMed 17576681 (cited by Labcorp Genetics (formerly Invitae), Labcorp); PubMed 9536098 (cited by Labcorp Genetics (formerly Invitae), Labcorp).

NM_002691.4(POLD1):c.2250G>A (p.Lys750=)

Gene: POLD1 (DNA polymerase delta 1, catalytic subunit; plus strand). Cytogenetic location: 19q13.33.
Variant type: single nucleotide variant.
Coding change: c.2250G>A on transcript NM_002691.4 (MANE Select); coding-DNA position 2250, G replaced by A.
Protein change: p.Lys750=; no amino-acid change (lysine 750 retained).
Molecular consequence: synonymous variant. On other transcripts: non-coding transcript variant (1).
Genome position (GRCh38, 1-based): chr19:50,413,521, G>A. VCF-style: chr19-50413521-G-A. GRCh37 (hg19) VCF-style: chr19-50916778-G-A.
Other names: c.2250G>A, p.Lys750= (NM_001256849.1); c.2328G>A, p.Lys776= (NM_001308632.1).
Identifiers: ClinVar variation 967553 (VCV000967553.11), dbSNP rs2039163019, ClinGen allele CA508304998.